The following is an entry in ClinVar:

NM_001005273.3(CHD3):c.4654A>T (p.Thr1552Ser)

Gene: CHD3 (chromodomain helicase DNA binding protein 3; plus strand). Cytogenetic location: 17p13.1.
Variant type: single nucleotide variant.
Coding change: c.4654A>T on transcript NM_001005273.3 (MANE Select); coding-DNA position 4654, A replaced by T.
Protein change: p.Thr1552Ser; replaces threonine 1552 with serine.
Molecular consequence: missense variant.
Genome position (GRCh38, 1-based): chr17:7,907,019, A>T. VCF-style: chr17-7907019-A-T. GRCh37 (hg19) VCF-style: chr17-7810337-A-T.
Other names: c.4831A>T, p.Thr1611Ser (NM_001005271.3); c.4654A>T, p.Thr1552Ser (NM_005852.4); short protein forms T1552S, T1611S.
Identifiers: ClinVar variation 3367624 (VCV003367624.1).

ClinVar aggregate classification (germline): Uncertain significance (1 of 4 stars; one submission).

Submission:

GeneDx
Classification: Uncertain significance. Last evaluated: 2024-01-07. Review status: criteria provided, single submitter. Criteria: GeneDx Variant Classification Process June 2021. Collection method: clinical testing. Allele origin: germline. Affected: yes.
Comment: Not observed at significant frequency in large population cohorts (gnomAD); In silico analysis supports that this missense variant does not alter protein structure/function; Has not been previously published as pathogenic or benign to our knowledge